The following is an entry in ClinVar:

ClinVar aggregate classification (germline): Uncertain significance. Review status: criteria provided, multiple submitters, no conflicts (2 of 4 stars). 2 submissions from 2 submitters: Uncertain significance (2). Last evaluated 2023-03-01.

Conditions:
Cardiovascular phenotype. Identifiers: MedGen CN230736.

Submissions (2):

Mayo Clinic Laboratories, Mayo Clinic
Classification: Uncertain significance. Last evaluated: 2023-03-01. Review status: criteria provided, single submitter. Criteria: ACMG Guidelines, 2015. Collection method: clinical testing. Allele origin: germline. Observed: 1 variant allele.
Comment: BP4, PM2_supporting

Ambry Genetics
Classification: Uncertain significance for Cardiovascular phenotype. Last evaluated: 2022-10-17. Review status: criteria provided, single submitter. Criteria: Ambry Variant Classification Scheme 2023. Collection method: clinical testing. Allele origin: germline.
Comment: The p.L132H variant (also known as c.395T>A), located in coding exon 2 of the LMF1 gene, results from a T to A substitution at nucleotide position 395. The leucine at codon 132 is replaced by histidine, an amino acid with similar properties. This amino acid position is conserved. In addition, this alteration is predicted to be tolerated by in silico analysis. Since supporting evidence is limited at this time, the clinical significance of this alteration remains unclear.

NM_022773.4(LMF1):c.395T>A (p.Leu132His)

Gene: LMF1 (lipase maturation factor 1; minus strand). Cytogenetic location: 16p13.3.
Variant type: single nucleotide variant.
Coding change: c.395T>A on transcript NM_022773.4 (MANE Select); coding-DNA position 395, T replaced by A.
Protein change: p.Leu132His; replaces leucine 132 with histidine.
Molecular consequence: missense variant. On other transcripts: 5 prime UTR variant (3), non-coding transcript variant (1).
Genome position (GRCh38, 1-based): chr16:954,465, A>T on the plus strand (T>A on the coding strand, the complement: LMF1 is on the minus strand). VCF-style: chr16-954465-A-T. GRCh37 (hg19) VCF-style: chr16-1004465-A-T.
Other names: p.Leu132His; c.-409T>A (NM_001352017.2); c.-160T>A (NM_001352018.2); c.68T>A, p.Leu23His (NM_001352019.2); c.395T>A, p.Leu132His (NM_001352020.1); c.-311T>A (NM_001352021.2); short protein forms L132H, L23H.
Identifiers: ClinVar variation 1736513 (VCV001736513.3), dbSNP rs2548398594, ClinGen allele CA394104471.
Genomic context (GRCh38, chr16:954,465, plus strand): 5'-GCCATGAGAAGCATGTTGGCGCAGCCCGTGATCAGTACGAAAGACGAGATGCCCAGTCCG[A>T]GAAGAGCCAGCAAGTCCAGGTTGGAGTTCATGTCTGACCAGTCCATCAGCCAGAGGATGG-3'
Protein context (NP_073610.2, residues 122-142): MNSNLDLLAL[Leu132His]GLGISSFVLI